The following is an entry in ClinVar:

ClinVar aggregate classification (germline): Uncertain significance (1 of 4 stars; one submission).

Conditions:
Heterotopia, periventricular, X-linked dominant (PVNH1). Also called: PERIVENTRICULAR NODULAR HETEROTOPIA 4; HETEROTOPIA, PERIVENTRICULAR, 1; PERIVENTRICULAR NODULAR HETEROTOPIA 1; X-linked periventricular heterotopia. Identifiers: Orphanet 2149, Orphanet 82004, MedGen C1848213, MONDO:0010233, OMIM 300049.
Oto-palato-digital syndrome, type II (OPD2). Also called: Otopalatodigital Syndrome, Type II; FACIOPALATOOSSEOUS SYNDROME; OPD II SYNDROME; Otopalatodigital Syndrome Type 2 (FLNA-OPD2). Identifiers: Orphanet 669, Orphanet 90652, MedGen C1844696, MONDO:0010571, OMIM 304120.
Melnick-Needles syndrome (MNS). Also called: MELNICK-NEEDLES OSTEODYSPLASTY; OSTEODYSPLASTY OF MELNICK AND NEEDLES; Melnick-Needles Syndrome (FLNA-MNS). Identifiers: Orphanet 2484, MedGen C0025237, MONDO:0010650, OMIM 309350.
Frontometaphyseal dysplasia (FMD1). Identifiers: Orphanet 1826, MedGen C0265293, MONDO:0015942.

gnomAD v4.1: 1 of 1,211,774 alleles (0.000083%); highest among the groups gnomAD compares: South Asian, 0.0018%; no homozygotes.

Submission:

Labcorp Genetics (formerly Invitae), Labcorp
Classification: Uncertain significance for Oto-palato-digital syndrome, type II; Heterotopia, periventricular, X-linked dominant; Frontometaphyseal dysplasia; Melnick-Needles syndrome. Last evaluated: 2025-11-23. Review status: criteria provided, single submitter. Criteria: Invitae Variant Classification Sherloc (09022015). Collection method: clinical testing. Allele origin: germline.
Comment: This sequence change replaces valine, which is neutral and non-polar, with leucine, which is neutral and non-polar, at codon 2044 of the FLNA protein (p.Val2044Leu). This variant is not present in population databases (gnomAD no frequency). This variant has not been reported in the literature in individuals affected with FLNA-related conditions. Invitae Evidence Modeling of protein sequence and biophysical properties (such as structural, functional, and spatial information, amino acid conservation, physicochemical variation, residue mobility, and thermodynamic stability) indicates that this missense variant is not expected to disrupt FLNA protein function with a negative predictive value of 95%. In summary, the available evidence is currently insufficient to determine the role of this variant in disease. Therefore, it has been classified as a Variant of Uncertain Significance.

NM_001110556.2(FLNA):c.6154G>C (p.Val2052Leu)

Gene: FLNA (filamin A; minus strand). Cytogenetic location: Xq28.
Variant type: single nucleotide variant.
Coding change: c.6154G>C on transcript NM_001110556.2 (MANE Select); coding-DNA position 6154, G replaced by C.
Protein change: p.Val2052Leu; replaces valine 2052 with leucine.
Molecular consequence: missense variant.
Genome position (GRCh38, 1-based): chrX:154,353,073, C>G on the plus strand (G>C on the coding strand, the complement: FLNA is on the minus strand). VCF-style: chrX-154353073-C-G. GRCh37 (hg19) VCF-style: chrX-153581441-C-G.
Other names: c.6130G>C, p.Val2044Leu (NM_001456.4); short protein forms V2044L, V2052L.
Identifiers: ClinVar variation 4783180 (VCV004783180.1).